The following is an entry in ClinVar:

ClinVar aggregate classification (germline): Uncertain significance (1 of 4 stars; one submission).

Conditions:
Amyotrophic lateral sclerosis type 21. Also called: VOCAL CORD AND PHARYNGEAL DYSFUNCTION WITH DISTAL MYOPATHY; MYOPATHY, DISTAL, 2. Identifiers: Orphanet 600, Orphanet 803, MedGen C3807521, MONDO:0011632, OMIM 606070.

gnomAD v4.1: 1 of 1,613,982 alleles (0.000062%); highest among the groups gnomAD compares: Non-Finnish European, 0.000085%; no homozygotes.

Submission:

Labcorp Genetics (formerly Invitae), Labcorp
Classification: Uncertain significance for Amyotrophic lateral sclerosis type 21. Last evaluated: 2022-05-25. Review status: criteria provided, single submitter. Criteria: Invitae Variant Classification Sherloc (09022015). Collection method: clinical testing. Allele origin: germline.
Comment: In summary, the available evidence is currently insufficient to determine the role of this variant in disease. Therefore, it has been classified as a Variant of Uncertain Significance. Algorithms developed to predict the effect of missense changes on protein structure and function (SIFT, PolyPhen-2, Align-GVGD) all suggest that this variant is likely to be tolerated. This variant has not been reported in the literature in individuals affected with MATR3-related conditions. This variant is not present in population databases (gnomAD no frequency). This sequence change replaces aspartic acid, which is acidic and polar, with asparagine, which is neutral and polar, at codon 703 of the MATR3 protein (p.Asp703Asn).

NM_018834.6(MATR3):c.2107G>A (p.Asp703Asn)

Genes: MATR3 (matrin 3; plus strand), LOC126807526 (CDK7 strongly-dependent group 2 enhancer GRCh37_chr5:138657767-138658966; plus strand). Cytogenetic location: 5q31.2.
Variant type: single nucleotide variant.
Coding change: c.2107G>A on transcript NM_018834.6 (MANE Select); coding-DNA position 2107, G replaced by A.
Protein change: p.Asp703Asn; replaces aspartic acid 703 with asparagine.
Molecular consequence: missense variant.
Genome position (GRCh38, 1-based): chr5:139,322,926, G>A. VCF-style: chr5-139322926-G-A. GRCh37 (hg19) VCF-style: chr5-138658615-G-A.
Other names: c.2107G>A, p.Asp703Asn (NM_001194954.2, NM_001194955.2, NM_001400441.1 and 16 more transcripts); c.1243G>A, p.Asp415Asn (NM_001194956.2); c.1093G>A, p.Asp365Asn (NM_001282278.2, NM_001400460.1, NM_001400462.1 and 5 more transcripts); c.1246G>A, p.Asp416Asn (NM_001400459.1); c.1207G>A, p.Asp403Asn (NM_001400461.1); short protein forms D365N, D403N, D415N, D416N, D703N.
Identifiers: ClinVar variation 2420321 (VCV002420321.8), dbSNP rs1755650943, ClinGen allele CA361144945.
Genomic context (GRCh38, chr5:139,322,926, plus strand): 5'-AATTTAGGTGATGTGGCTTCTGATGGGAAAAAGGAACCATCAGATAAAGCTGTGAAAAAA[G>A]ATGGAAGTGCTTCAGCAGCAGCAAAGAAAAAGCTTAAAAAGGTAAAGAAAGATACATTGA-3'
Protein context (NP_061322.2, residues 693-713): KEPSDKAVKK[Asp703Asn]GSASAAAKKK